The following is an entry in ClinVar:

ClinVar aggregate classification (germline): Uncertain significance (1 of 4 stars; one submission).

gnomAD v4.1: 2 of 1,612,016 alleles (0.00012%); highest among the groups gnomAD compares: South Asian, 0.0011%; no homozygotes.

Submission:

Dasa
Classification: Uncertain significance. Last evaluated: 2026-03-12. Review status: criteria provided, single submitter. Criteria: DASA Assertion Criteria. Collection method: clinical testing. Allele origin: germline.
Comment: NM_001961.4(EEF2):c.592G>A (p.Gly198Ser) is a missense variant that results in the substitution of glycine with serine. This variant is rare in population databases. The currently available literature and clinical evidence are not sufficient to establish a definitive association between this variant and the reported condition. Therefore, this variant is classified as a variant of uncertain significance.

NM_001961.4(EEF2):c.592G>A (p.Gly198Ser)

Gene: EEF2 (eukaryotic translation elongation factor 2; minus strand). Cytogenetic location: 19p13.3.
Variant type: single nucleotide variant.
Coding change: c.592G>A on transcript NM_001961.4 (MANE Select); coding-DNA position 592, G replaced by A.
Protein change: p.Gly198Ser; replaces glycine 198 with serine.
Molecular consequence: missense variant.
Genome position (GRCh38, 1-based): chr19:3,982,827, C>T on the plus strand (G>A on the coding strand, the complement: EEF2 is on the minus strand). VCF-style: chr19-3982827-C-T. GRCh37 (hg19) VCF-style: chr19-3982825-C-T.
Other names: short protein forms G198S.
Identifiers: ClinVar variation 4886154 (VCV004886154.2).
Genomic context (GRCh38, chr19:3,982,827, plus strand): 5'-CGCTGCGGCAAGCCCACCACCCAGCTAGGGAGGGCCGTACCATGATGTTGCCCATGGGGC[C>T]GCTCTCGCCCTCGCCGTAGGTGGAGATGATGACGTTCACGTTCTCCACGATGCGCTGGAA-3'
Protein context (NP_001952.1, residues 188-208): IISTYGEGES[Gly198Ser]PMGNIMIDPV